The following is an entry in ClinVar:

ClinVar aggregate classification (germline): Uncertain significance (1 of 4 stars; one submission).

Conditions:
Hereditary cancer-predisposing syndrome. Also called: Neoplastic Syndromes, Hereditary; Tumor predisposition; Hereditary neoplastic syndrome; Hereditary Cancer Syndrome. Identifiers: Orphanet 140162, MedGen C0027672, MeSH D009386, MONDO:0015356.

Submission:

Ambry Genetics
Classification: Uncertain significance for Hereditary cancer-predisposing syndrome. Last evaluated: 2022-12-05. Review status: criteria provided, single submitter. Criteria: Ambry Variant Classification Scheme 2023. Collection method: clinical testing. Allele origin: germline.
Comment: The p.L308R variant (also known as c.923T>G), located in coding exon 4 of the BARD1 gene, results from a T to G substitution at nucleotide position 923. The leucine at codon 308 is replaced by arginine, an amino acid with dissimilar properties. This amino acid position is conserved. In addition, this alteration is predicted to be tolerated by in silico analysis. Since supporting evidence is limited at this time, the clinical significance of this alteration remains unclear.

NM_000465.4(BARD1):c.923T>G (p.Leu308Arg)

Gene: BARD1 (BRCA1 associated RING domain 1; minus strand). Cytogenetic location: 2q35.
Variant type: single nucleotide variant.
Coding change: c.923T>G on transcript NM_000465.4 (MANE Select); coding-DNA position 923, T replaced by G.
Protein change: p.Leu308Arg; replaces leucine 308 with arginine.
Molecular consequence: missense variant. On other transcripts: non-coding transcript variant (2), intron variant (3).
Genome position (GRCh38, 1-based): chr2:214,780,951, A>C on the plus strand (T>G on the coding strand, the complement: BARD1 is on the minus strand). VCF-style: chr2-214780951-A-C. GRCh37 (hg19) VCF-style: chr2-215645675-A-C.
Other names: c.866T>G, p.Leu289Arg (NM_001282543.2); c.159-28396T>G (NM_001282548.2); c.215+16110T>G (NM_001282545.2); c.364+11346T>G (NM_001282549.2); short protein forms L308R, L289R.
Identifiers: ClinVar variation 2450465 (VCV002450465.2), dbSNP rs2469506623, ClinGen allele CA350455042.